The following is an entry in ClinVar:

ClinVar aggregate classification (germline): Uncertain significance. Review status: criteria provided, multiple submitters, no conflicts (2 of 4 stars). 2 submissions from 2 submitters: Uncertain significance (2). Last evaluated 2025-10-06.

Conditions:
Inborn genetic diseases. Identifiers: MedGen C0950123, MeSH D030342.

Allele frequency attached by ClinVar (database versions not stated): gnomAD exomes 0.00002; ExAC 0.00005; ESP Exome Variant Server 0.00008.
gnomAD v4.1: 117 of 1,602,262 alleles (0.0073%); highest among the groups gnomAD compares: Non-Finnish European, 0.0087%; no homozygotes.

Submissions (2):

Ambry Genetics
Classification: Uncertain significance for Inborn genetic diseases. Last evaluated: 2025-10-06. Review status: criteria provided, single submitter. Criteria: Ambry Variant Classification Scheme 2023. Collection method: clinical testing. Allele origin: germline.

Labcorp Genetics (formerly Invitae), Labcorp
Classification: Uncertain significance. Last evaluated: 2025-03-17. Review status: criteria provided, single submitter. Criteria: Invitae Variant Classification Sherloc (09022015). Collection method: clinical testing. Allele origin: germline.
Comment: This sequence change replaces glutamic acid, which is acidic and polar, with aspartic acid, which is acidic and polar, at codon 663 of the MPDZ protein (p.Glu663Asp). This variant is present in population databases (rs370785235, gnomAD 0.02%). This variant has not been reported in the literature in individuals affected with MPDZ-related conditions. ClinVar contains an entry for this variant (Variation ID: 1366873). An algorithm developed to predict the effect of missense changes on protein structure and function (PolyPhen-2) suggests that this variant is likely to be tolerated. In summary, the available evidence is currently insufficient to determine the role of this variant in disease. Therefore, it has been classified as a Variant of Uncertain Significance.

NM_001378778.1(MPDZ):c.1989G>T (p.Glu663Asp)

Gene: MPDZ (multiple PDZ domain crumbs cell polarity complex component; minus strand). Cytogenetic location: 9p23.
Variant type: single nucleotide variant.
Coding change: c.1989G>T on transcript NM_001378778.1 (MANE Select); coding-DNA position 1989, G replaced by T.
Protein change: p.Glu663Asp; replaces glutamic acid 663 with aspartic acid.
Molecular consequence: missense variant.
Genome position (GRCh38, 1-based): chr9:13,190,279, C>A on the plus strand (G>T on the coding strand, the complement: MPDZ is on the minus strand). VCF-style: chr9-13190279-C-A. GRCh37 (hg19) VCF-style: chr9-13190278-C-A.
Other names: c.1989G>T (NM_003829.3); c.1989G>T, p.Glu663Asp (NM_001261406.2, NM_001261407.2, NM_001330637.2 and 14 more transcripts); short protein forms E663D.
Identifiers: ClinVar variation 1366873 (VCV001366873.8), dbSNP rs370785235, ClinGen allele CA4987597.